The following is an entry in ClinVar:

NM_000536.4(RAG2):c.230C>A (p.Thr77Asn)

Gene: RAG2 (recombination activating 2; minus strand). Cytogenetic location: 11p12.
Variant type: single nucleotide variant.
Coding change: c.230C>A on transcript NM_000536.4 (MANE Select); coding-DNA position 230, C replaced by A.
Protein change: p.Thr77Asn; replaces threonine 77 with asparagine.
Molecular consequence: missense variant.
Genome position (GRCh38, 1-based): chr11:36,593,939, G>T on the plus strand (C>A on the coding strand, the complement: RAG2 is on the minus strand). VCF-style: chr11-36593939-G-T. GRCh37 (hg19) VCF-style: chr11-36615489-G-T.
Other names: c.230C>A, p.Thr77Asn (NM_001243785.2, NM_001243786.2); short protein forms T77N.
Identifiers: ClinVar variation 13137 (VCV000013137.5), dbSNP rs121918574, ClinGen allele CA122870.

ClinVar aggregate classification (germline): Likely pathogenic. Review status: criteria provided, multiple submitters, no conflicts (2 of 4 stars). 4 submissions from 4 submitters: Likely pathogenic (3). 1 of the submissions does not count toward it. Last evaluated 2026-01-20.

Conditions:
Combined immunodeficiency with skin granulomas. Identifiers: Orphanet 157949, MedGen C2673536, MONDO:0009306, OMIM 233650.
Recombinase activating gene 2 deficiency. Also called: RAG2 deficiency. Identifiers: MedGen CN257931, MONDO:0000573.
Inborn error of immunity. Also called: Primary immunodeficiency; Inborn errors of immunity. Identifiers: Orphanet 101997, MedGen C0398686, MONDO:0003778.
Histiocytic medullary reticulosis. Also called: SEVERE COMBINED IMMUNODEFICIENCY WITH HYPEREOSINOPHILIA; Omenn syndrome. Identifiers: Orphanet 39041, MedGen C2700553, MONDO:0011338, OMIM 603554.

Allele frequency attached by ClinVar (database versions not stated): TOPMed below 0.00001.

Submissions (4):

Natera, Inc.
Classification: Likely pathogenic for Omenn syndrome. Last evaluated: 2026-01-20. Review status: criteria provided, single submitter. Criteria: Natera Variant Classification Schema (03/2026). Collection method: clinical testing. Allele origin: germline.
Comment: The c.230C>A variant in RAG2 is a missense variant predicted to cause substitution of threonine to asparagine at amino acid 77. This variant is rare in the general population with a frequency below the threshold expected for the associated phenotype(s). This variant has been observed in one or more individuals affected with the associated recessive disease, as either homozygous or compound heterozygous with a second variant (PMID: 18463379). Functional studies show that this variant may disrupt protein function (PMID: 18463379). Computational prediction algorithms indicate this variant is likely to affect gene or protein function. Given the available evidence, this variant is classified as Likely Pathogenic.

Baylor Genetics
Classification: Likely pathogenic for Combined immunodeficiency with skin granulomas. Last evaluated: 2023-05-24. Review status: criteria provided, single submitter. Criteria: ACMG Guidelines, 2015. Collection method: clinical testing. Allele origin: unknown.

Pediatric Immunology Service, The Chaim Sheba Medical Center at Tel HaShomer
Classification: Likely pathogenic for RAG2 deficiency; Primary immunodeficiency; Combined immunodeficiency with skin granulomas. Last evaluated: 2018-03-06. Review status: criteria provided, single submitter. Criteria: ACMG Guidelines, 2015. Collection method: research. Allele origin: germline. Affected: yes.

OMIM
Classification: Pathogenic for COMBINED CELLULAR AND HUMORAL IMMUNE DEFECTS WITH GRANULOMAS. Last evaluated: 2008-05-08. Review status: no assertion criteria provided. Collection method: literature only. Allele origin: germline. Not counted in ClinVar's aggregate classification.

Literature cited by the submitters: PubMed 18463379 (cited by 3 submitters).